The following is an entry in ClinVar:

NM_000342.4(SLC4A1):c.2311+1G>T

Gene: SLC4A1 (solute carrier family 4 member 1 (Diego blood group); minus strand). Cytogenetic location: 17q21.31.
Variant type: single nucleotide variant.
Coding change: c.2311+1G>T on transcript NM_000342.4 (MANE Select); the canonical splice donor site of the intron after coding-DNA position 2311, G replaced by T.
Molecular consequence: splice donor variant.
Genome position (GRCh38, 1-based): chr17:44,253,117, C>A on the plus strand (G>T on the coding strand, the complement: SLC4A1 is on the minus strand). VCF-style: chr17-44253117-C-A. GRCh37 (hg19) VCF-style: chr17-42330485-C-A.
Identifiers: ClinVar variation 3766808 (VCV003766808.1).

ClinVar aggregate classification (germline): Pathogenic (1 of 4 stars; one submission).

Submission:

ARUP Laboratories, Molecular Genetics and Genomics, ARUP Laboratories
Classification: Pathogenic. Last evaluated: 2024-08-30. Review status: criteria provided, single submitter. Criteria: ARUP Molecular Germline Variant Investigation Process 2024. Collection method: clinical testing. Allele origin: germline.
Comment: The SLC4A1 c.2311+1G>T variant, to our knowledge, is not reported in the medical literature or gene specific databases. This variant is also absent from the Genome Aggregation Database (v2.1.1), indicating it is not a common polymorphism. This variant disrupts the canonical splice donor site of intron 17, which is likely to negatively impact gene function. Another variant, c.2311+2T>C, within the same canonical splice donor site is reported in an individual with spherocytosis (Vives-Corrons 2021). Based on available information, this variant is considered to be pathogenic. References: Vives-Corrons JL et al. Characterization of hereditary red blood cell membranopathies using combined targeted next-generation sequencing and osmotic gradient ektacytometry. Int J Hematol. 2021 Feb. PMID: 33074480.